The following is an entry in ClinVar:

ClinVar aggregate classification (germline): Uncertain significance (1 of 4 stars; one submission).

Allele frequency attached by ClinVar (database versions not stated): gnomAD exomes below 0.00001.
gnomAD v4.1: 1 of 1,614,112 alleles (0.000062%); highest among the groups gnomAD compares: African/African-American, 0.0013%; no homozygotes.

Submission:

Labcorp Genetics (formerly Invitae), Labcorp
Classification: Uncertain significance. Last evaluated: 2022-06-13. Review status: criteria provided, single submitter. Criteria: Invitae Variant Classification Sherloc (09022015). Collection method: clinical testing. Allele origin: germline.
Comment: In summary, the available evidence is currently insufficient to determine the role of this variant in disease. Therefore, it has been classified as a Variant of Uncertain Significance. Advanced modeling of protein sequence and biophysical properties (such as structural, functional, and spatial information, amino acid conservation, physicochemical variation, residue mobility, and thermodynamic stability) performed at Invitae indicates that this missense variant is not expected to disrupt LRP2 protein function. This variant has not been reported in the literature in individuals affected with LRP2-related conditions. This variant is not present in population databases (gnomAD no frequency). This sequence change replaces alanine, which is neutral and non-polar, with threonine, which is neutral and polar, at codon 2440 of the LRP2 protein (p.Ala2440Thr).

NM_004525.3(LRP2):c.7318G>A (p.Ala2440Thr)

Gene: LRP2 (LDL receptor related protein 2; minus strand). Cytogenetic location: 2q31.1.
Variant type: single nucleotide variant.
Coding change: c.7318G>A on transcript NM_004525.3 (MANE Select); coding-DNA position 7318, G replaced by A.
Protein change: p.Ala2440Thr; replaces alanine 2440 with threonine.
Molecular consequence: missense variant.
Genome position (GRCh38, 1-based): chr2:169,206,402, C>T on the plus strand (G>A on the coding strand, the complement: LRP2 is on the minus strand). VCF-style: chr2-169206402-C-T. GRCh37 (hg19) VCF-style: chr2-170062912-C-T.
Other names: short protein forms A2440T.
Identifiers: ClinVar variation 1481189 (VCV001481189.6), dbSNP rs2105332694, ClinGen allele CA349170994.